The following is an entry in ClinVar:

ClinVar aggregate classification (germline): Likely benign. Review status: criteria provided, multiple submitters, no conflicts (2 of 4 stars). 2 submissions from 2 submitters: Likely benign (2). Last evaluated 2025-10-14.

Conditions:
Glanzmann thrombasthenia. Also called: BLEEDING DISORDER, PLATELET-TYPE, 2; THROMBASTHENIA OF GLANZMANN AND NAEGELI; PLATELET GLYCOPROTEIN IIb-IIIa DEFICIENCY; Thrombasthenia; Glanzmann's thrombasthenia. Identifiers: Orphanet 849, MedGen C0040015, MONDO:0100326.

Allele frequency attached by ClinVar (database versions not stated): gnomAD 0.00004; gnomAD exomes 0.00004 and 0.00029; TOPMed 0.00007; ExAC 0.00030.
gnomAD v4.1: 59 of 1,614,038 alleles (0.0037%); highest among the groups gnomAD compares: East Asian, 0.12%; no homozygotes.

Submissions (2):

Labcorp Genetics (formerly Invitae), Labcorp
Classification: Likely benign. Last evaluated: 2025-10-14. Review status: criteria provided, single submitter. Criteria: Invitae Variant Classification Sherloc (09022015). Collection method: clinical testing. Allele origin: germline.

Illumina Laboratory Services, Illumina
Classification: Likely benign for Glanzmann thrombasthenia 1. Last evaluated: 2018-01-13. Review status: criteria provided, single submitter. Criteria: ICSL Variant Classification Criteria 13 December 2019. Collection method: clinical testing. Allele origin: germline.
Comment: This variant was observed in the ICSL laboratory as part of a predisposition screen in an ostensibly healthy population. It had not been previously curated by ICSL or reported in the Human Gene Mutation Database (HGMD: prior to June 1st, 2018), and was therefore a candidate for classification through an automated scoring system. Utilizing variant allele frequency, disease prevalence and penetrance estimates, and inheritance mode, an automated score was calculated to assess if this variant is too frequent to cause the disease. Based on the score and internal cut-off values, a variant classified as likely benign is not then subjected to further curation. The score for this variant resulted in a classification of likely benign for this disease.

NM_000212.3(ITGB3):c.1232C>T (p.Ser411Phe)

Gene: ITGB3 (integrin subunit beta 3; plus strand). Cytogenetic location: 17q21.32.
Variant type: single nucleotide variant.
Coding change: c.1232C>T on transcript NM_000212.3 (MANE Select); coding-DNA position 1232, C replaced by T.
Protein change: p.Ser411Phe; replaces serine 411 with phenylalanine.
Molecular consequence: missense variant.
Genome position (GRCh38, 1-based): chr17:47,291,060, C>T. VCF-style: chr17-47291060-C-T. GRCh37 (hg19) VCF-style: chr17-45368426-C-T.
Other names: short protein forms S411F.
Identifiers: ClinVar variation 890711 (VCV000890711.7), dbSNP rs78121013, ClinGen allele CA8623193.
Genomic context (GRCh38, chr17:47,291,060, plus strand): 5'-AGTTGTCTCTATCCTTCAATGCCACCTGCCTCAACAATGAGGTCATCCCTGGCCTCAAGT[C>T]TTGTATGGGACTCAAGATTGGAGACACGGTGAGGTGGGCTGGGCAGGGCCTTTGTCCTGG-3'
Protein context (NP_000203.2, residues 401-421): LNNEVIPGLK[Ser411Phe]CMGLKIGDTV